The following is an entry in ClinVar:

NM_201384.3(PLEC):c.3441C>T (p.Asp1147=)

Gene: PLEC (plectin; minus strand). Cytogenetic location: 8q24.3.
Variant type: single nucleotide variant.
Coding change: c.3441C>T on transcript NM_201384.3 (MANE Select); coding-DNA position 3441, C replaced by T.
Protein change: p.Asp1147=; no amino-acid change (aspartic acid 1147 retained).
Molecular consequence: synonymous variant.
Genome position (GRCh38, 1-based): chr8:143,927,725, G>A on the plus strand (C>T on the coding strand, the complement: PLEC is on the minus strand). VCF-style: chr8-143927725-G-A. GRCh37 (hg19) VCF-style: chr8-145001893-G-A.
Other names: c.3522C>T, p.Asp1174= (NM_000445.5); c.3399C>T, p.Asp1133= (NM_201378.4); c.3375C>T, p.Asp1125= (NM_201379.3); c.3852C>T, p.Asp1284= (NM_201380.4); c.3345C>T, p.Asp1115= (NM_201381.3); c.3441C>T, p.Asp1147= (NM_201382.4); c.3453C>T, p.Asp1151= (NM_201383.3).
Identifiers: ClinVar variation 705565 (VCV000705565.11), dbSNP rs782126492, ClinGen allele CA4927063.

ClinVar aggregate classification (germline): Likely benign. Review status: criteria provided, multiple submitters, no conflicts (2 of 4 stars). 2 submissions from 2 submitters: Likely benign (2). Last evaluated 2026-01-12.

Conditions:
PLEC-related disorder. Also called: PLEC-related disorders; PLEC-related condition.
Epidermolysis bullosa simplex with nail dystrophy (EBS5D). Identifiers: MedGen C4225309, MONDO:0014661, OMIM 616487.
Epidermolysis bullosa simplex 5B, with muscular dystrophy (EBS5B). Also called: Epidermolysis bullosa simplex with muscular dystrophy; EPIDERMOLYSIS BULLOSA SIMPLEX AND LIMB-GIRDLE MUSCULAR DYSTROPHY. Identifiers: Orphanet 257, MedGen C2931072, MONDO:0009181, OMIM 226670.
Autosomal recessive limb-girdle muscular dystrophy type 2Q (LGMDR17). Also called: MUSCULAR DYSTROPHY, LIMB-GIRDLE, AUTOSOMAL RECESSIVE 17. Identifiers: Orphanet 254361, MedGen C3150989, MONDO:0013390, OMIM 613723.
Epidermolysis bullosa simplex 5C, with pyloric atresia (EBS5C). Also called: PLEC-Related Epidermolysis Bullosa with Pyloric Atresia; Epidermolysis bullosa simplex with pyloric atresia; PLEC1-Related Epidermolysis Bullosa with Pyloric Atresia. Identifiers: Orphanet 158684, MedGen C2677349, MONDO:0012807, OMIM 612138.
Epidermolysis bullosa simplex, Ogna type (EBS5A). Also called: Pidermolysis bullosa simplex 5A, Ogna type; EPIDERMOLYSIS BULLOSA SIMPLEX 5A, OGNA TYPE. Identifiers: Orphanet 79401, MedGen C0432317, MONDO:0007555, OMIM 131950.

Allele frequency attached by ClinVar (database versions not stated): gnomAD 0.00004; TOPMed 0.00006; ExAC 0.00007; gnomAD exomes 0.00010.
gnomAD v4.1: 71 of 1,593,620 alleles (0.0045%); highest among the groups gnomAD compares: Admixed American, 0.05%; no homozygotes.

Submissions (2):

Labcorp Genetics (formerly Invitae), Labcorp
Classification: Likely benign for Autosomal recessive limb-girdle muscular dystrophy type 2Q; Epidermolysis bullosa simplex, Ogna type; Epidermolysis bullosa simplex with nail dystrophy; Epidermolysis bullosa simplex 5C, with pyloric atresia; Epidermolysis bullosa simplex 5B, with muscular dystrophy. Last evaluated: 2026-01-12. Review status: criteria provided, single submitter. Criteria: Invitae Variant Classification Sherloc (09022015). Collection method: clinical testing. Allele origin: germline.

PreventionGenetics, part of Exact Sciences
Classification: Likely benign for PLEC-related condition. Last evaluated: 2026-01-12. Review status: criteria provided, single submitter. Criteria: ACMG Guidelines, 2015. Collection method: clinical testing. Allele origin: germline.
Comment: This variant is classified as likely benign based on ACMG/AMP sequence variant interpretation guidelines (Richards et al. 2015 PMID: 25741868, with internal and published modifications).